The following is an entry in ClinVar:

NM_003235.5(TG):c.5402-8C>T

Gene: TG (thyroglobulin; plus strand). Cytogenetic location: 8q24.22.
Variant type: single nucleotide variant.
Coding change: c.5402-8C>T on transcript NM_003235.5 (MANE Select); 8 bases into the intron before coding-DNA position 5402, C replaced by T.
Molecular consequence: intron variant.
Genome position (GRCh38, 1-based): chr8:132,961,000, C>T. VCF-style: chr8-132961000-C-T. GRCh37 (hg19) VCF-style: chr8-133973245-C-T.
Identifiers: ClinVar variation 726185 (VCV000726185.10), dbSNP rs374306199, ClinGen allele CA4884491.
Genomic context (GRCh38, chr8:132,961,000, plus strand): 5'-TTGCAGTAATGGTGGGTACCCAGTGACAGCACACTCAAGCTCATAAAAATAAACATCTTC[C>T]TTTGCAGGTCTGACACCCTTAGAAGGAACTCAAGACACCTTTACCAATTTTCAGCAGGTT-3'

ClinVar aggregate classification (germline): Likely benign. Review status: criteria provided, multiple submitters, no conflicts (2 of 4 stars). 3 submissions from 3 submitters: Likely benign (2). 1 of the submissions does not count toward it. Last evaluated 2024-03-10.

Conditions:
TG-related disorder. Also called: TG-related disorders; TG-related condition.

Allele frequency attached by ClinVar (database versions not stated): ESP Exome Variant Server 0.00008; TOPMed 0.00009; ExAC 0.00010; gnomAD 0.00011; gnomAD exomes 0.00018.
gnomAD v4.1: 233 of 1,613,914 alleles (0.014%); highest among the groups gnomAD compares: Middle Eastern, 0.26%; 1 homozygote.

Submissions (3):

Labcorp Genetics (formerly Invitae), Labcorp
Classification: Likely benign. Last evaluated: 2024-03-10. Review status: criteria provided, single submitter. Criteria: Invitae Variant Classification Sherloc (09022015). Collection method: clinical testing. Allele origin: germline.

Breakthrough Genomics
Classification: Likely benign. Review status: criteria provided, single submitter. Criteria: ACMG Guidelines, 2015. Collection method: not provided. Allele origin: germline. Inheritance: Autosomal recessive inheritance. Affected: yes.

PreventionGenetics, part of Exact Sciences
Classification: Likely benign for TG-related condition. Last evaluated: 2019-11-18. Review status: no assertion criteria provided. Collection method: clinical testing. Allele origin: germline. Not counted in ClinVar's aggregate classification.
Comment: This variant is classified as likely benign based on ACMG/AMP sequence variant interpretation guidelines (Richards et al. 2015 PMID: 25741868, with internal and published modifications).